The following is an entry in ClinVar:

ClinVar aggregate classification (germline): Conflicting classifications of pathogenicity. Review status: criteria provided, conflicting classifications (1 of 4 stars). 12 submissions from 10 submitters: Uncertain significance (3); Benign (1); Likely benign (6). 2 of the submissions do not count toward it. Last evaluated 2026-02-04.

Conditions:
ERCC6-related disorder. Also called: ERCC6-related condition; ERCC6-related disorders. Identifiers: MedGen CN239385.
Age related macular degeneration 5. Identifiers: MedGen C3151063, MONDO:0013409, OMIM 613761.
Cerebrooculofacioskeletal syndrome 1 (COFS1). Also called: Cerebro-oculo-facio-skeletal syndrome 1. Identifiers: MedGen C0220722, MONDO:0008955, OMIM 214150.
Cockayne syndrome type 2 (CSB). Also called: COCKAYNE SYNDROME B; Cockayne Syndrome, Type II. Identifiers: Orphanet 191, Orphanet 90322, MedGen C0751038, MONDO:0019570, OMIM 133540.
DE SANCTIS-CACCHIONE SYNDROME. Identifiers: MedGen C0265201, MONDO:0010217, OMIM 278800.
Intellectual disability. Also called: Intellectual functioning disability; intellectual disabilities; Intellectual developmental disorder. Identifiers: MedGen C3714756, MeSH D008607, MONDO:0001071, HP:0001249.

Allele frequency attached by ClinVar (database versions not stated): 1000 Genomes Project 30x 0.00047; 1000 Genomes Project 0.00060; TOPMed 0.00100; ESP Exome Variant Server 0.00146; gnomAD 0.00146 and 0.00154; gnomAD exomes 0.00149 and 0.00162.
gnomAD v4.1: 2,558 of 1,614,198 alleles (0.16%); highest among the groups gnomAD compares: Non-Finnish European, 0.16%; 6 homozygotes.

Submissions (12):

Labcorp Genetics (formerly Invitae), Labcorp
Classification: Likely benign. Last evaluated: 2026-02-04. Review status: criteria provided, single submitter. Criteria: Invitae Variant Classification Sherloc (09022015). Collection method: clinical testing. Allele origin: germline.

Blueprint Genetics
Classification: Likely benign. Last evaluated: 2024-11-25. Review status: criteria provided, single submitter. Criteria: ACMG Guidelines, 2015. Collection method: clinical testing. Allele origin: germline.

GeneDx
Classification: Likely benign. Last evaluated: 2021-02-09. Review status: criteria provided, single submitter. Criteria: GeneDx Variant Classification Process June 2021. Collection method: clinical testing. Allele origin: germline. Affected: yes.

Mendelics
Classification: Likely benign for DE SANCTIS-CACCHIONE SYNDROME. Last evaluated: 2019-05-28. Review status: criteria provided, single submitter. Criteria: Mendelics Assertion Criteria 2017. Collection method: clinical testing. Allele origin: unknown.

Cambridge Genomics Laboratory, East Genomic Laboratory Hub, NHS Genomic Medicine Service
Classification: Benign for Intellectual disability. Last evaluated: 2019-04-17. Review status: criteria provided, single submitter. Criteria: ACGS Best Practice Guidelines for Variant Classification in Rare Disease 2020. Collection method: clinical testing. Allele origin: germline. Affected: yes. Observed: 1 variant allele.

CeGaT Center for Human Genetics Tuebingen
Classification: Uncertain significance. Last evaluated: 2019-04-01. Review status: criteria provided, single submitter. Criteria: CeGaT Center For Human Genetics Tuebingen Variant Classification Criteria Version 2. Collection method: clinical testing. Allele origin: germline. Affected: yes. Observed: 1 variant allele.

Illumina Laboratory Services, Illumina
Classification: Uncertain significance for Cerebrooculofacioskeletal syndrome 1. Last evaluated: 2018-01-13. Review status: criteria provided, single submitter. Criteria: ICSL Variant Classification Criteria 13 December 2019. Collection method: clinical testing. Allele origin: germline.

Illumina Laboratory Services, Illumina
Classification: Likely benign for Age related macular degeneration 5. Last evaluated: 2018-01-13. Review status: criteria provided, single submitter. Criteria: ICSL Variant Classification Criteria 13 December 2019. Collection method: clinical testing. Allele origin: germline.
Comment: This variant was observed in the ICSL laboratory as part of a predisposition screen in an ostensibly healthy population. It had not been previously curated by ICSL or reported in the Human Gene Mutation Database (HGMD: prior to June 1st, 2018), and was therefore a candidate for classification through an automated scoring system. Utilizing variant allele frequency, disease prevalence and penetrance estimates, and inheritance mode, an automated score was calculated to assess if this variant is too frequent to cause the disease. Based on the score and internal cut-off values, a variant classified as likely benign is not then subjected to further curation. The score for this variant resulted in a classification of likely benign for this disease.

Illumina Laboratory Services, Illumina
Classification: Uncertain significance for Cockayne syndrome type 2. Last evaluated: 2018-01-13. Review status: criteria provided, single submitter. Criteria: ICSL Variant Classification Criteria 13 December 2019. Collection method: clinical testing. Allele origin: germline.

Eurofins Ntd Llc (ga)
Classification: Likely benign. Last evaluated: 2016-09-26. Review status: criteria provided, single submitter. Criteria: EGL Classification Definitions 2015. Collection method: clinical testing. Allele origin: germline. Observed: 1 variant allele, 1 heterozygote.

PreventionGenetics, part of Exact Sciences
Classification: Likely benign for ERCC6-related condition. Last evaluated: 2020-07-13. Review status: no assertion criteria provided. Collection method: clinical testing. Allele origin: germline. Not counted in ClinVar's aggregate classification.
Comment: This variant is classified as likely benign based on ACMG/AMP sequence variant interpretation guidelines (Richards et al. 2015 PMID: 25741868, with internal and published modifications).

Clinical Genetics DNA and cytogenetics Diagnostics Lab, Erasmus MC, Erasmus Medical Center
Classification: Uncertain significance. Review status: no assertion criteria provided. Collection method: clinical testing. Allele origin: germline. Affected: yes. Study: VKGL Data-share Consensus. Not counted in ClinVar's aggregate classification.

NM_000124.4(ERCC6):c.4223A>C (p.Glu1408Ala)

Gene: ERCC6 (ERCC excision repair 6, chromatin remodeling factor; minus strand). Cytogenetic location: 10q11.23.
Variant type: single nucleotide variant.
Coding change: c.4223A>C on transcript NM_000124.4 (MANE Select); coding-DNA position 4223, A replaced by C.
Protein change: p.Glu1408Ala; replaces glutamic acid 1408 with alanine.
Molecular consequence: missense variant.
Genome position (GRCh38, 1-based): chr10:49,459,074, T>G on the plus strand (A>C on the coding strand, the complement: ERCC6 is on the minus strand). VCF-style: chr10-49459074-T-G. GRCh37 (hg19) VCF-style: chr10-50667120-T-G.
Other names: c.4223A>C, p.Glu1408Ala (NM_001346440.2); short protein forms E1408A.
Identifiers: ClinVar variation 300037 (VCV000300037.71), dbSNP rs61760167, ClinGen allele CA5495149.